The following is an entry in ClinVar:

ClinVar aggregate classification (germline): Likely pathogenic (1 of 4 stars; one submission).

Submission:

Labcorp Genetics (formerly Invitae), Labcorp
Classification: Likely pathogenic. Last evaluated: 2023-07-10. Review status: criteria provided, single submitter. Criteria: Invitae Variant Classification Sherloc (09022015). Collection method: clinical testing. Allele origin: germline.
Comment: In summary, the currently available evidence indicates that the variant is pathogenic, but additional data are needed to prove that conclusively. Therefore, this variant has been classified as Likely Pathogenic. Algorithms developed to predict the effect of sequence changes on RNA splicing suggest that this variant may disrupt the consensus splice site. This variant has not been reported in the literature in individuals affected with ABCA12-related conditions. This variant is not present in population databases (gnomAD no frequency). This sequence change affects an acceptor splice site in intron 46 of the ABCA12 gene. It is expected to disrupt RNA splicing. Variants that disrupt the donor or acceptor splice site typically lead to a loss of protein function (PMID: 16199547), and loss-of-function variants in ABCA12 are known to be pathogenic (PMID: 20672373).

Literature cited by the submitters: PubMed 16199547; PubMed 20672373.

NM_173076.3(ABCA12):c.6963-2A>G

Genes: ABCA12 (ATP binding cassette subfamily A member 12; minus strand), SNHG31 (small nucleolar RNA host gene 31; plus strand). Cytogenetic location: 2q35.
Variant type: single nucleotide variant.
Coding change: c.6963-2A>G on transcript NM_173076.3 (MANE Select); the canonical splice acceptor site of the intron before coding-DNA position 6963, A replaced by G.
Molecular consequence: splice acceptor variant.
Genome position (GRCh38, 1-based): chr2:214,948,739, T>C on the plus strand (A>G on the coding strand, the complement: ABCA12 is on the minus strand). VCF-style: chr2-214948739-T-C. GRCh37 (hg19) VCF-style: chr2-215813463-T-C.
Other names: c.6009-2A>G (NM_015657.4).
Identifiers: ClinVar variation 2740540 (VCV002740540.3), dbSNP rs2469138327, ClinGen allele CA350794415.